The following is an entry in ClinVar:

ClinVar aggregate classification (germline): Uncertain significance (1 of 4 stars; one submission).

Submission:

Women's Health and Genetics/Laboratory Corporation of America, LabCorp
Classification: Uncertain significance. Last evaluated: 2024-05-02. Review status: criteria provided, single submitter. Criteria: LabCorp Variant Classification Summary - May 2015. Collection method: clinical testing. Allele origin: germline.
Comment: Variant summary: MAPK8IP3 c.48G>C (p.Gln16His) results in a non-conservative amino acid change in the encoded protein sequence. Three of five in-silico tools predict a benign effect of the variant on protein function. The variant was absent in 245598 control chromosomes. The available data on variant occurrences in the general population are insufficient to allow any conclusion about variant significance. To our knowledge, no occurrence of c.48G>C in individuals affected with Neurodevelopmental Disorder With Or Without Variable Brain Abnormalities; NEDBA and no experimental evidence demonstrating its impact on protein function have been reported. No submitters have cited clinical-significance assessments for this variant to ClinVar. Based on the evidence outlined above, the variant was classified as uncertain significance.

NM_001318852.2(MAPK8IP3):c.48G>C (p.Gln16His)

Gene: MAPK8IP3 (mitogen-activated protein kinase 8 interacting protein 3; plus strand). Cytogenetic location: 16p13.3.
Variant type: single nucleotide variant.
Coding change: c.48G>C on transcript NM_001318852.2 (MANE Select); coding-DNA position 48, G replaced by C.
Protein change: p.Gln16His; replaces glutamine 16 with histidine.
Molecular consequence: missense variant.
Genome position (GRCh38, 1-based): chr16:1,706,387, G>C. VCF-style: chr16-1706387-G-C. GRCh37 (hg19) VCF-style: chr16-1756388-G-C.
Other names: c.48G>C, p.Gln16His (NM_001040439.2, NM_015133.5); short protein forms Q16H.
Identifiers: ClinVar variation 3336229 (VCV003336229.1).